The following is an entry in ClinVar:

ClinVar aggregate classification (germline): Uncertain significance (1 of 4 stars; one submission).

Conditions:
Brugada syndrome. Also called: Sudden unexplained nocturnal death syndrome; Sudden unexpected nocturnal death syndrome; Sudden Unexplained Death Syndrome; Sudden Unexplained Nocturnal Death Syndrome (SUNDS). Identifiers: Orphanet 130, MedGen C1142166, MONDO:0015263.

Submission:

Labcorp Genetics (formerly Invitae), Labcorp
Classification: Uncertain significance for Brugada syndrome. Last evaluated: 2021-10-05. Review status: criteria provided, single submitter. Criteria: Invitae Variant Classification Sherloc (09022015). Collection method: clinical testing. Allele origin: germline.
Comment: In summary, the available evidence is currently insufficient to determine the role of this variant in disease. Therefore, it has been classified as a Variant of Uncertain Significance. Advanced modeling of protein sequence and biophysical properties (such as structural, functional, and spatial information, amino acid conservation, physicochemical variation, residue mobility, and thermodynamic stability) performed at Invitae indicates that this missense variant is expected to disrupt SCN10A protein function. This variant has not been reported in the literature in individuals affected with SCN10A-related conditions. This variant is not present in population databases (ExAC no frequency). This sequence change replaces leucine with valine at codon 1302 of the SCN10A protein (p.Leu1302Val). The leucine residue is moderately conserved and there is a small physicochemical difference between leucine and valine.

NM_006514.4(SCN10A):c.3904C>G (p.Leu1302Val)

Gene: SCN10A (sodium voltage-gated channel alpha subunit 10; minus strand). Cytogenetic location: 3p22.2.
Variant type: single nucleotide variant.
Coding change: c.3904C>G on transcript NM_006514.4 (MANE Select); coding-DNA position 3904, C replaced by G.
Protein change: p.Leu1302Val; replaces leucine 1302 with valine.
Molecular consequence: missense variant.
Genome position (GRCh38, 1-based): chr3:38,712,346, G>C on the plus strand (C>G on the coding strand, the complement: SCN10A is on the minus strand). VCF-style: chr3-38712346-G-C. GRCh37 (hg19) VCF-style: chr3-38753837-G-C.
Other names: c.3901C>G, p.Leu1301Val (NM_001293306.2); c.3610C>G, p.Leu1204Val (NM_001293307.2); short protein forms L1301V, L1204V, L1302V.
Identifiers: ClinVar variation 1384649 (VCV001384649.6), dbSNP rs2063284029, ClinGen allele CA352151206.